The following is an entry in ClinVar:

NM_014991.6(WDFY3):c.292A>C (p.Asn98His)

Gene: WDFY3 (WD repeat and FYVE domain containing 3; minus strand). Cytogenetic location: 4q21.23.
Variant type: single nucleotide variant.
Coding change: c.292A>C on transcript NM_014991.6 (MANE Select); coding-DNA position 292, A replaced by C.
Protein change: p.Asn98His; replaces asparagine 98 with histidine.
Molecular consequence: missense variant.
Genome position (GRCh38, 1-based): chr4:84,849,914, T>G on the plus strand (A>C on the coding strand, the complement: WDFY3 is on the minus strand). VCF-style: chr4-84849914-T-G. GRCh37 (hg19) VCF-style: chr4-85771067-T-G.
Other names: short protein forms N98H.
Identifiers: ClinVar variation 2582130 (VCV002582130.1), dbSNP rs531148156, ClinGen allele CA357550419.

ClinVar aggregate classification (germline): Uncertain significance (1 of 4 stars; one submission).

Submission:

GeneDx
Classification: Uncertain significance. Last evaluated: 2023-03-29. Review status: criteria provided, single submitter. Criteria: GeneDx Variant Classification Process June 2021. Collection method: clinical testing. Allele origin: germline. Affected: yes.
Comment: Not observed at significant frequency in large population cohorts (gnomAD); In silico analysis supports that this missense variant has a deleterious effect on protein structure/function; Has not been previously published as pathogenic or benign to our knowledge